The following is an entry in ClinVar:

NM_001267550.2(TTN):c.58433-7del

Genes: TTN (titin; minus strand), TTN-AS1 (TTN antisense RNA 1; plus strand). Cytogenetic location: 2q31.2.
Variant type: Deletion.
Coding change: c.58433-7del on transcript NM_001267550.2 (MANE Select); 7 bases into the intron before coding-DNA position 58433, one base deleted (T; older notation c.58433-7delT).
Molecular consequence: intron variant.
Genome position (GRCh38, 1-based): chr2:178,593,874, A deleted on the plus strand (T on the coding strand, the reverse complement: TTN is on the minus strand); the first of 10 consecutive A bases (chr2:178,593,874-178,593,883); deleting any one gives the same sequence. VCF-style (leftmost placement, unchanged base first): chr2-178593873-GA-G. GRCh37 (hg19) VCF-style: chr2-179458600-GA-G.
Other names: c.58433-7delT (NM_001267550.2); c.31238-7del (NM_003319.4); c.31814-7del (NM_133437.4); c.31613-7del (NM_133432.3); c.50729-7del (NM_133378.4); c.53510-7del (NM_001256850.1).
Identifiers: ClinVar variation 1168511 (VCV001168511.14), dbSNP rs758370659, ClinGen allele CA1992853.

ClinVar aggregate classification (germline): Benign/Likely benign. Review status: criteria provided, multiple submitters, no conflicts (2 of 4 stars). 5 submissions from 5 submitters: Benign (1); Likely benign (2). 2 of the submissions do not count toward it. Last evaluated 2025-09-01.

Conditions:
TTN-related disorder. Also called: TTN-related disorders; TTN-related condition; TTN-related disease.
Dilated cardiomyopathy 1G (CMD1G). Identifiers: Orphanet 154, MedGen C1858763, MONDO:0011400, OMIM 604145.
Autosomal recessive limb-girdle muscular dystrophy type 2J (LGMDR10). Also called: Limb-girdle muscular dystrophy, type 2J; MUSCULAR DYSTROPHY, LIMB-GIRDLE, AUTOSOMAL RECESSIVE 10. Identifiers: Orphanet 140922, MedGen C1837342, MONDO:0012127, OMIM 608807.

Submissions (5):

PreventionGenetics, part of Exact Sciences
Classification: Likely benign for TTN-related condition. Last evaluated: 2025-09-01. Review status: criteria provided, single submitter. Criteria: ACMG Guidelines, 2015. Collection method: clinical testing. Allele origin: germline.
Comment: This variant is classified as likely benign based on ACMG/AMP sequence variant interpretation guidelines (Richards et al. 2015 PMID: 25741868, with internal and published modifications).

Labcorp Genetics (formerly Invitae), Labcorp
Classification: Benign for Dilated cardiomyopathy 1G; Autosomal recessive limb-girdle muscular dystrophy type 2J. Last evaluated: 2024-11-26. Review status: criteria provided, single submitter. Criteria: Invitae Variant Classification Sherloc (09022015). Collection method: clinical testing. Allele origin: germline.

Blueprint Genetics
Classification: Likely benign. Last evaluated: 2023-04-10. Review status: criteria provided, single submitter. Criteria: ACMG Guidelines, 2015. Collection method: clinical testing. Allele origin: germline.

Clinical Genetics, Academic Medical Center
Classification: Benign. Review status: no assertion criteria provided. Collection method: clinical testing. Allele origin: germline. Affected: yes. Study: VKGL Data-share Consensus. Not counted in ClinVar's aggregate classification.

Genome Diagnostics Laboratory, University Medical Center Utrecht
Classification: Likely benign. Review status: no assertion criteria provided. Collection method: clinical testing. Allele origin: germline. Affected: yes. Study: VKGL Data-share Consensus. Not counted in ClinVar's aggregate classification.